The following is an entry in ClinVar:

NM_001378418.1(TCF20):c.55C>G (p.Gln19Glu)

Gene: TCF20 (transcription factor 20; minus strand). Cytogenetic location: 22q13.2.
Variant type: single nucleotide variant.
Coding change: c.55C>G on transcript NM_001378418.1 (MANE Select); coding-DNA position 55, C replaced by G.
Protein change: p.Gln19Glu; replaces glutamine 19 with glutamic acid.
Molecular consequence: missense variant.
Genome position (GRCh38, 1-based): chr22:42,215,251, G>C on the plus strand (C>G on the coding strand, the complement: TCF20 is on the minus strand). VCF-style: chr22-42215251-G-C. GRCh37 (hg19) VCF-style: chr22-42611257-G-C.
Other names: c.55C>G, p.Gln19Glu (NM_005650.4, NM_181492.3); short protein forms Q19E.
Identifiers: ClinVar variation 2442542 (VCV002442542.5), dbSNP rs1418116716, ClinGen allele CA411793815.
Genomic context (GRCh38, chr22:42,215,251, plus strand): 5'-GGAACATCTGGGCCTGACGAGGGCTGAACTCTTCTAGCCGGGATGAGCCGTGTACCTCCT[G>C]TGGGTAGCTTTGCTGGTTTCCGTGGTAACTGCTTTGCTCCCGAAAGGACTGCATACTGTT-3'
Protein context (NP_001365347.1, residues 9-29): SYHGNQQSYP[Gln19Glu]EVHGSSRLEE

ClinVar aggregate classification (germline): Uncertain significance. Review status: criteria provided, multiple submitters, no conflicts (2 of 4 stars). 2 submissions from 2 submitters: Uncertain significance (2). Last evaluated 2024-05-16.

Allele frequency attached by ClinVar (database versions not stated): TOPMed below 0.00001; gnomAD 0.00001.
gnomAD v4.1: 1 of 1,614,080 alleles (0.000062%); highest among the groups gnomAD compares: African/African-American, 0.0013%; no homozygotes.

Submissions (2):

GeneDx
Classification: Uncertain significance. Last evaluated: 2024-05-16. Review status: criteria provided, single submitter. Criteria: GeneDx Variant Classification Process June 2021. Collection method: clinical testing. Allele origin: germline. Affected: yes.
Comment: Not observed at significant frequency in large population cohorts (gnomAD); In silico analysis indicates that this missense variant does not alter protein structure/function; Has not been previously published as pathogenic or benign to our knowledge

Labcorp Genetics (formerly Invitae), Labcorp
Classification: Uncertain significance. Last evaluated: 2023-01-13. Review status: criteria provided, single submitter. Criteria: Invitae Variant Classification Sherloc (09022015). Collection method: clinical testing. Allele origin: germline.
Comment: In summary, the available evidence is currently insufficient to determine the role of this variant in disease. Therefore, it has been classified as a Variant of Uncertain Significance. Algorithms developed to predict the effect of missense changes on protein structure and function are either unavailable or do not agree on the potential impact of this missense change (SIFT: "Tolerated"; PolyPhen-2: "Possibly Damaging"; Align-GVGD: "Class C0"). This variant has not been reported in the literature in individuals affected with TCF20-related conditions. This variant is not present in population databases (gnomAD no frequency). This sequence change replaces glutamine, which is neutral and polar, with glutamic acid, which is acidic and polar, at codon 19 of the TCF20 protein (p.Gln19Glu).